The following is an entry in ClinVar:

ClinVar aggregate classification (germline): Uncertain significance (1 of 4 stars; one submission).

Conditions:
Melnick-Needles syndrome (MNS). Also called: MELNICK-NEEDLES OSTEODYSPLASTY; OSTEODYSPLASTY OF MELNICK AND NEEDLES; Melnick-Needles Syndrome (FLNA-MNS). Identifiers: Orphanet 2484, MedGen C0025237, MONDO:0010650, OMIM 309350.
Frontometaphyseal dysplasia (FMD1). Identifiers: Orphanet 1826, MedGen C0265293, MONDO:0015942.
Heterotopia, periventricular, X-linked dominant (PVNH1). Also called: PERIVENTRICULAR NODULAR HETEROTOPIA 1; X-linked periventricular heterotopia; PERIVENTRICULAR NODULAR HETEROTOPIA 4; HETEROTOPIA, PERIVENTRICULAR, 1. Identifiers: Orphanet 2149, Orphanet 82004, MedGen C1848213, MONDO:0010233, OMIM 300049.
Oto-palato-digital syndrome, type II (OPD2). Also called: FACIOPALATOOSSEOUS SYNDROME; OPD II SYNDROME; Otopalatodigital Syndrome, Type II; Otopalatodigital Syndrome Type 2 (FLNA-OPD2). Identifiers: Orphanet 669, Orphanet 90652, MedGen C1844696, MONDO:0010571, OMIM 304120.

Submission:

Labcorp Genetics (formerly Invitae), Labcorp
Classification: Uncertain significance for Oto-palato-digital syndrome, type II; Heterotopia, periventricular, X-linked dominant; Frontometaphyseal dysplasia; Melnick-Needles syndrome. Last evaluated: 2025-10-02. Review status: criteria provided, single submitter. Criteria: Invitae Variant Classification Sherloc (09022015). Collection method: clinical testing. Allele origin: germline.
Comment: This sequence change replaces glycine, which is neutral and non-polar, with alanine, which is neutral and non-polar, at codon 452 of the FLNA protein (p.Gly452Ala). This variant is not present in population databases (gnomAD no frequency). This variant has not been reported in the literature in individuals affected with FLNA-related conditions. ClinVar contains an entry for this variant (Variation ID: 3754016). Invitae Evidence Modeling of protein sequence and biophysical properties (such as structural, functional, and spatial information, amino acid conservation, physicochemical variation, residue mobility, and thermodynamic stability) has been performed for this missense variant. However, the output from this modeling did not meet the statistical confidence thresholds required to predict the impact of this variant on FLNA protein function. In summary, the available evidence is currently insufficient to determine the role of this variant in disease. Therefore, it has been classified as a Variant of Uncertain Significance.

NM_001110556.2(FLNA):c.1355G>C (p.Gly452Ala)

Gene: FLNA (filamin A; minus strand). Cytogenetic location: Xq28.
Variant type: single nucleotide variant.
Coding change: c.1355G>C on transcript NM_001110556.2 (MANE Select); coding-DNA position 1355, G replaced by C.
Protein change: p.Gly452Ala; replaces glycine 452 with alanine.
Molecular consequence: missense variant.
Genome position (GRCh38, 1-based): chrX:154,366,098, C>G on the plus strand (G>C on the coding strand, the complement: FLNA is on the minus strand). VCF-style: chrX-154366098-C-G. GRCh37 (hg19) VCF-style: chrX-153594466-C-G.
Other names: c.1355G>C, p.Gly452Ala (NM_001456.4); short protein forms G452A.
Identifiers: ClinVar variation 3754016 (VCV003754016.2).